The following is an entry in ClinVar:

ClinVar aggregate classification (germline): Benign. Review status: criteria provided, multiple submitters, no conflicts (2 of 4 stars). 12 submissions from 12 submitters: Benign (12). Last evaluated 2026-02-04.

Conditions:
Kabuki syndrome. Also called: NIIKAWA-KUROKI SYNDROME; Kabuki make-up syndrome. Identifiers: Orphanet 2322, MedGen C0796004, MONDO:0016512.
Kabuki syndrome 1 (KABUK1). Also called: KMT2D-Related Kabuki Syndrome. Identifiers: Orphanet 2322, MedGen CN030661, MONDO:0007843, OMIM 147920.

Allele frequency attached by ClinVar (database versions not stated): ESP Exome Variant Server 0.25065; gnomAD 0.25778 and 0.26618; 1000 Genomes Project 30x 0.26780; 1000 Genomes Project 0.27536; ExAC 0.31922; gnomAD exomes 0.32115 and 0.34728; TOPMed 0.24638.
gnomAD v4.1: 546,770 of 1,612,274 alleles (34%); highest among the groups gnomAD compares: East Asian, 40%; 97,473 homozygotes.

Submissions (12):

Labcorp Genetics (formerly Invitae), Labcorp
Classification: Benign for Kabuki syndrome. Last evaluated: 2026-02-04. Review status: criteria provided, single submitter. Criteria: Invitae Variant Classification Sherloc (09022015). Collection method: clinical testing. Allele origin: germline.

Blueprint Genetics
Classification: Benign. Last evaluated: 2024-11-27. Review status: criteria provided, single submitter. Criteria: ACMG Guidelines, 2015. Collection method: clinical testing. Allele origin: germline.

Unidad de Genómica Garrahan, Hospital de Pediatría Garrahan
Classification: Benign. Last evaluated: 2024-01-24. Review status: criteria provided, single submitter. Criteria: ACMG Guidelines, 2015. Collection method: clinical testing. Allele origin: germline. Affected: no. Observed: 50 variant alleles.
Comment: This variant is classified as Benign based on local population frequency. This variant was detected in 53% of patients studied by a panel of primary immunodeficiencies. Number of patients: 50. Only high quality variants are reported.

Mayo Clinic Laboratories, Mayo Clinic
Classification: Benign. Last evaluated: 2022-09-06. Review status: criteria provided, single submitter. Criteria: ACMG Guidelines, 2015. Collection method: clinical testing. Allele origin: germline. Observed: 23 variant alleles.

ARUP Laboratories, Molecular Genetics and Genomics, ARUP Laboratories
Classification: Benign for Kabuki syndrome 1. Last evaluated: 2018-08-23. Review status: criteria provided, single submitter. Criteria: ARUP Molecular Germline Variant Investigation Process. Collection method: clinical testing. Allele origin: germline.

Athena Diagnostics
Classification: Benign. Last evaluated: 2018-05-07. Review status: criteria provided, single submitter. Criteria: Athena Diagnostics Criteria. Collection method: clinical testing. Allele origin: germline.

Eurofins Ntd Llc (ga)
Classification: Benign. Last evaluated: 2016-10-05. Review status: criteria provided, single submitter. Criteria: EGL Classification Definitions 2015. Collection method: clinical testing. Allele origin: germline. Observed: 261 variant alleles, 214 heterozygotes, 46 homozygotes, 1 hemizygote.

Laboratory for Molecular Medicine, Mass General Brigham Personalized Medicine
Classification: Benign. Last evaluated: 2016-03-28. Review status: criteria provided, single submitter. Criteria: LMM Criteria. Collection method: clinical testing. Allele origin: germline.
Comment: Variant identified in a genome or exome case(s) and assessed due to predicted null impact of the variant or pathogenic assertions in the literature or databases. Disclaimer: This variant has not undergone full assessment. The following are preliminary notes: Frequency

GeneDx
Classification: Benign. Last evaluated: 2015-03-03. Review status: criteria provided, single submitter. Criteria: GeneDx Variant Classification Process June 2021. Collection method: clinical testing. Allele origin: germline. Affected: yes.

Genetic Services Laboratory, University of Chicago
Classification: Benign. Last evaluated: 2013-02-08. Review status: criteria provided, single submitter. Criteria: ACMG Guidelines, 2007. Collection method: clinical testing. Allele origin: germline. Inheritance: Autosomal dominant inheritance.

Breakthrough Genomics
Classification: Benign. Review status: criteria provided, single submitter. Criteria: ACMG Guidelines, 2015. Collection method: not provided. Allele origin: germline. Inheritance: Autosomal dominant inheritance. Affected: yes.

PreventionGenetics, part of Exact Sciences
Classification: Benign. Review status: criteria provided, single submitter. Criteria: ACMG Guidelines, 2015. Collection method: clinical testing. Allele origin: germline.

NM_003482.4(KMT2D):c.12510A>G (p.Pro4170=)

Gene: KMT2D (lysine methyltransferase 2D; minus strand). Cytogenetic location: 12q13.12.
Variant type: single nucleotide variant.
Coding change: c.12510A>G on transcript NM_003482.4 (MANE Select); coding-DNA position 12510, A replaced by G.
Protein change: p.Pro4170=; no amino-acid change (proline 4170 retained).
Molecular consequence: synonymous variant.
Genome position (GRCh38, 1-based): chr12:49,032,195, T>C on the plus strand (A>G on the coding strand, the complement: KMT2D is on the minus strand). VCF-style: chr12-49032195-T-C. GRCh37 (hg19) VCF-style: chr12-49425978-T-C.
Other names: p.Pro4170=.
Identifiers: ClinVar variation 94158 (VCV000094158.34), dbSNP rs3741622, ClinGen allele CA147663.
Genomic context (GRCh38, chr12:49,032,195, plus strand): 5'-GATTCCAACCCCAGGCAGACCCTGCCCAGACTGGAGGACAGGTCCTGGTTTGGGAGGTTG[T>C]GGCCCTGTATTATTTTGCATGGGCCGCTCTAGCATGGGCTGTTGGGGGCCCAGAAGGTTC-3'
Protein context (NP_003473.3, residues 4160-4180): LERPMQNNTG[Pro4170=]QPPKPGPVLQ